The following is an entry in ClinVar:

ClinVar aggregate classification (germline): Uncertain significance (1 of 4 stars; one submission).

Conditions:
Early Myoclonic Encephalopathy. Identifiers: MedGen C0270855.

Allele frequency attached by ClinVar (database versions not stated): ESP Exome Variant Server 0.00008; ExAC 0.00002; gnomAD exomes 0.00003 and 0.00004; TOPMed 0.00003; gnomAD 0.00007.
gnomAD v4.1: 70 of 1,613,840 alleles (0.0043%); highest among the groups gnomAD compares: Middle Eastern, 0.016%; no homozygotes.

Submission:

Labcorp Genetics (formerly Invitae), Labcorp
Classification: Uncertain significance for Early Myoclonic Encephalopathy. Last evaluated: 2024-04-01. Review status: criteria provided, single submitter. Criteria: Invitae Variant Classification Sherloc (09022015). Collection method: clinical testing. Allele origin: germline.
Comment: This sequence change replaces glycine, which is neutral and non-polar, with arginine, which is basic and polar, at codon 767 of the JMJD1C protein (p.Gly767Arg). This variant is present in population databases (rs375070965, gnomAD 0.006%). This variant has not been reported in the literature in individuals affected with JMJD1C-related conditions. ClinVar contains an entry for this variant (Variation ID: 861668). Advanced modeling of protein sequence and biophysical properties (such as structural, functional, and spatial information, amino acid conservation, physicochemical variation, residue mobility, and thermodynamic stability) has been performed at Invitae for this missense variant, however the output from this modeling did not meet the statistical confidence thresholds required to predict the impact of this variant on JMJD1C protein function. In summary, the available evidence is currently insufficient to determine the role of this variant in disease. Therefore, it has been classified as a Variant of Uncertain Significance.

NM_032776.3(JMJD1C):c.2299G>A (p.Gly767Arg)

Gene: JMJD1C (jumonji domain containing 1C; minus strand). Cytogenetic location: 10q21.3.
Variant type: single nucleotide variant.
Coding change: c.2299G>A on transcript NM_032776.3 (MANE Select); coding-DNA position 2299, G replaced by A.
Protein change: p.Gly767Arg; replaces glycine 767 with arginine.
Molecular consequence: missense variant. On other transcripts: non-coding transcript variant (1).
Genome position (GRCh38, 1-based): chr10:63,213,868, C>T on the plus strand (G>A on the coding strand, the complement: JMJD1C is on the minus strand). VCF-style: chr10-63213868-C-T. GRCh37 (hg19) VCF-style: chr10-64973628-C-T.
Other names: c.1753G>A, p.Gly585Arg (NM_001282948.2, NM_001318154.2); c.1435G>A, p.Gly479Arg (NM_001318153.2); c.2185G>A, p.Gly729Arg (NM_001322252.2); c.1642G>A, p.Gly548Arg (NM_001322254.2, NM_001322258.2); short protein forms G585R, G479R, G729R, G548R, G767R.
Identifiers: ClinVar variation 861668 (VCV000861668.9), dbSNP rs375070965, ClinGen allele CA5518657.